The following is an entry in ClinVar:

ClinVar aggregate classification (germline): Uncertain significance. Review status: criteria provided, multiple submitters, no conflicts (2 of 4 stars). 2 submissions from 2 submitters: Uncertain significance (2). Last evaluated 2026-03-09.

Conditions:
Inborn genetic diseases. Identifiers: MedGen C0950123, MeSH D030342.

gnomAD v4.1: 4 of 1,612,064 alleles (0.00025%); highest among the groups gnomAD compares: East Asian, 0.0022%; no homozygotes.

Submissions (2):

Women's Health and Genetics/Laboratory Corporation of America, LabCorp
Classification: Uncertain significance. Last evaluated: 2026-03-09. Review status: criteria provided, single submitter. Criteria: LabCorp Variant Classification Summary - May 2015. Collection method: clinical testing. Allele origin: germline.
Comment: Variant summary: CDON c.2543C>G (p.Thr848Arg) results in a non-conservative amino acid change in the encoded protein sequence. Algorithms developed to predict the effect of missense changes on protein structure and function are either unavailable or do not agree on the potential impact of this missense change. Several computational tools predict a significant impact on normal splicing: One predicts the variant abolishes a 5' splicing donor site. Two predict the variant weakens a 5' donor site. One predicts the variant weakens a cryptic 3' acceptor site. However, these predictions have yet to be confirmed by functional studies. The variant was absent in 250980 control chromosomes. The available data on variant occurrences in the general population are insufficient to allow any conclusion about variant significance. To our knowledge, no occurrence of c.2543C>G in individuals affected with CDON-related conditions and no experimental evidence demonstrating its impact on protein function have been reported. ClinVar contains an entry for this variant (Variation ID: 3265591). Based on the evidence outlined above, the variant was classified as uncertain significance.

Ambry Genetics
Classification: Uncertain significance for Inborn genetic diseases. Last evaluated: 2024-03-28. Review status: criteria provided, single submitter. Criteria: Ambry Variant Classification Scheme 2023. Collection method: clinical testing. Allele origin: germline.

NM_001378964.1(CDON):c.2543C>G (p.Thr848Arg)

Gene: CDON (cell adhesion associated, oncogene regulated; minus strand). Cytogenetic location: 11q24.2.
Variant type: single nucleotide variant.
Coding change: c.2543C>G on transcript NM_001378964.1 (MANE Select); coding-DNA position 2543, C replaced by G.
Protein change: p.Thr848Arg; replaces threonine 848 with arginine.
Molecular consequence: missense variant.
Genome position (GRCh38, 1-based): chr11:125,994,872, G>C on the plus strand (C>G on the coding strand, the complement: CDON is on the minus strand). VCF-style: chr11-125994872-G-C. GRCh37 (hg19) VCF-style: chr11-125864767-G-C.
Other names: c.2543C>G, p.Thr848Arg (NM_001243597.3, NM_016952.6); short protein forms T848R.
Identifiers: ClinVar variation 3265591 (VCV003265591.2).